The following is an entry in ClinVar:

NM_015374.3(SUN2):c.1261C>G (p.Leu421Val)

Genes: GTPBP1 (GTP binding protein 1; plus strand), SUN2 (Sad1 and UNC84 domain containing 2; minus strand). Cytogenetic location: 22q13.1.
Variant type: single nucleotide variant.
Coding change: c.1261C>G on transcript NM_015374.3 (MANE Select); coding-DNA position 1261, C replaced by G.
Protein change: p.Leu421Val; replaces leucine 421 with valine.
Molecular consequence: missense variant.
Genome position (GRCh38, 1-based): chr22:38,740,362, G>C on the plus strand (C>G on the coding strand, the complement: SUN2 is on the minus strand). VCF-style: chr22-38740362-G-C. GRCh37 (hg19) VCF-style: chr22-39136367-G-C.
Other names: c.1261C>G, p.Leu421Val (NM_001394436.1, NM_001394437.1, NM_001199580.2 and 5 more transcripts); c.1171C>G, p.Leu391Val (NM_001394438.1); c.1123C>G, p.Leu375Val (NM_001394439.1, NM_001394440.1, NM_001394441.1); c.862C>G, p.Leu288Val (NM_001394442.1); c.769C>G, p.Leu257Val (NM_001394443.1); c.685C>G, p.Leu229Val (NM_001394444.1, NM_001394445.1); c.1324C>G, p.Leu442Val (NM_001199579.2, NM_001394428.1); c.1354C>G, p.Leu452Val (NM_001394427.1); and 1 more; short protein forms L288V, L375V, L257V, L452V, L391V, L229V, L421V, L436V.
Identifiers: ClinVar variation 1473910 (VCV001473910.8), dbSNP rs780688397, ClinGen allele CA10235609.

ClinVar aggregate classification (germline): Uncertain significance (1 of 4 stars; one submission).

Conditions:
Emery-Dreifuss muscular dystrophy (EDMD). Also called: Scapuloperoneal syndrome, X-linked (formerly); Humeroperoneal neuromuscular disease, (formerly). Identifiers: Orphanet 261, MedGen C0410189, MONDO:0016830.

Allele frequency attached by ClinVar (database versions not stated): gnomAD exomes 0.00001; TOPMed 0.00001.
gnomAD v4.1: 18 of 1,580,174 alleles (0.0011%); highest among the groups gnomAD compares: Non-Finnish European, 0.0015%; no homozygotes.

Submission:

Labcorp Genetics (formerly Invitae), Labcorp
Classification: Uncertain significance for Emery-Dreifuss muscular dystrophy. Last evaluated: 2021-04-20. Review status: criteria provided, single submitter. Criteria: Invitae Variant Classification Sherloc (09022015). Collection method: clinical testing. Allele origin: germline.
Comment: In summary, the available evidence is currently insufficient to determine the role of this variant in disease. Therefore, it has been classified as a Variant of Uncertain Significance. Algorithms developed to predict the effect of missense changes on protein structure and function are either unavailable or do not agree on the potential impact of this missense change (SIFT: "Tolerated"; PolyPhen-2: "Probably Damaging"; Align-GVGD: "Class C15"). This variant has not been reported in the literature in individuals with SUN2-related conditions. The frequency data for this variant in the population databases is considered unreliable, as metrics indicate poor data quality at this position in the ExAC database. This sequence change replaces leucine with valine at codon 421 of the SUN2 protein (p.Leu421Val). The leucine residue is highly conserved and there is a small physicochemical difference between leucine and valine.